The following is an entry in ClinVar:

NM_052874.5(STX1B):c.354+1G>A

Gene: STX1B (syntaxin 1B; minus strand). Cytogenetic location: 16p11.2.
Variant type: single nucleotide variant.
Coding change: c.354+1G>A on transcript NM_052874.5 (MANE Select); the canonical splice donor site of the intron after coding-DNA position 354, G replaced by A.
Molecular consequence: splice donor variant.
Genome position (GRCh38, 1-based): chr16:30,997,501, C>T on the plus strand (G>A on the coding strand, the complement: STX1B is on the minus strand). VCF-style: chr16-30997501-C-T. GRCh37 (hg19) VCF-style: chr16-31008822-C-T.
Identifiers: ClinVar variation 646551 (VCV000646551.9), dbSNP rs1596717264, ClinGen allele CA395649486.

ClinVar aggregate classification (germline): Likely pathogenic (1 of 4 stars; one submission).

Conditions:
Generalized epilepsy with febrile seizures plus, type 9 (GEFSP9). Also called: GEFS+, TYPE 9. Identifiers: Orphanet 36387, MedGen C4015395, MONDO:0014517, OMIM 616172.

Submission:

Labcorp Genetics (formerly Invitae), Labcorp
Classification: Likely pathogenic for Generalized epilepsy with febrile seizures plus, type 9. Last evaluated: 2020-02-01. Review status: criteria provided, single submitter. Criteria: Invitae Variant Classification Sherloc (09022015). Collection method: clinical testing. Allele origin: germline.
Comment: This sequence change affects a donor splice site in intron 5 of the STX1B gene. It is expected to disrupt RNA splicing and likely results in an absent or disrupted protein product. This variant is not present in population databases (ExAC no frequency). This variant has not been reported in the literature in individuals with STX1B-related disease. Algorithms developed to predict the effect of sequence changes on RNA splicing suggest that this variant may disrupt the consensus splice site, but this prediction has not been confirmed by published transcriptional studies. Donor and acceptor splice site variants typically lead to a loss of protein function (PMID: 16199547), and loss-of-function variants in STX1B are known to be pathogenic (PMID: 25362483). In summary, the currently available evidence indicates that the variant is pathogenic, but additional data are needed to prove that conclusively. Therefore, this variant has been classified as Likely Pathogenic.

Literature cited by the submitters: PubMed 16199547; PubMed 25362483.